The following is an entry in ClinVar:

NM_001122955.4(BSCL2):c.641A>G (p.His214Arg)

Genes: BSCL2 (BSCL2 lipid droplet biogenesis associated, seipin; minus strand), HNRNPUL2-BSCL2 (HNRNPUL2-BSCL2 readthrough (NMD candidate); minus strand). Cytogenetic location: 11q12.3.
Variant type: single nucleotide variant.
Coding change: c.641A>G on transcript NM_001122955.4 (MANE Select); coding-DNA position 641, A replaced by G.
Protein change: p.His214Arg; replaces histidine 214 with arginine.
Molecular consequence: missense variant. On other transcripts: non-coding transcript variant (1).
Genome position (GRCh38, 1-based): chr11:62,692,787, T>C on the plus strand (A>G on the coding strand, the complement: BSCL2 is on the minus strand). VCF-style: chr11-62692787-T-C. GRCh37 (hg19) VCF-style: chr11-62460259-T-C.
Other names: c.449A>G, p.His150Arg (NM_001130702.2, NM_032667.6); c.641A>G, p.His214Arg (NM_001386027.1, NM_001386028.1); short protein forms H214R, H150R.
Identifiers: ClinVar variation 220211 (VCV000220211.6), dbSNP rs544020840, ClinGen allele CA349177.

ClinVar aggregate classification (germline): Uncertain significance (1 of 4 stars; one submission).

Conditions:
Charcot-Marie-Tooth disease type 2. Also called: Charcot-Marie-Tooth type 2. Identifiers: Orphanet 64746, MedGen C0270914, MONDO:0018993.

Allele frequency attached by ClinVar (database versions not stated): ExAC 0.00002; gnomAD exomes 0.00001; gnomAD 0.00001; TOPMed 0.00002.
gnomAD v4.1: 9 of 1,613,444 alleles (0.00056%); highest among the groups gnomAD compares: Non-Finnish European, 0.00076%; no homozygotes.

Submission:

Labcorp Genetics (formerly Invitae), Labcorp
Classification: Uncertain significance for Charcot-Marie-Tooth disease type 2. Last evaluated: 2025-02-27. Review status: criteria provided, single submitter. Criteria: Invitae Variant Classification Sherloc (09022015). Collection method: clinical testing. Allele origin: germline.
Comment: This sequence change replaces histidine, which is basic and polar, with arginine, which is basic and polar, at codon 150 of the BSCL2 protein (p.His150Arg). This variant is present in population databases (rs544020840, gnomAD 0.002%). This variant has not been reported in the literature in individuals affected with BSCL2-related conditions. ClinVar contains an entry for this variant (Variation ID: 220211). Invitae Evidence Modeling of protein sequence and biophysical properties (such as structural, functional, and spatial information, amino acid conservation, physicochemical variation, residue mobility, and thermodynamic stability) indicates that this missense variant is not expected to disrupt BSCL2 protein function with a negative predictive value of 80%. In summary, the available evidence is currently insufficient to determine the role of this variant in disease. Therefore, it has been classified as a Variant of Uncertain Significance.